The following is an entry in ClinVar:

NM_144631.6(ZNF513):c.1127C>T (p.Ala376Val)

Gene: ZNF513 (zinc finger protein 513; minus strand). Cytogenetic location: 2p23.3.
Variant type: single nucleotide variant.
Coding change: c.1127C>T on transcript NM_144631.6 (MANE Select); coding-DNA position 1127, C replaced by T.
Protein change: p.Ala376Val; replaces alanine 376 with valine.
Molecular consequence: missense variant.
Genome position (GRCh38, 1-based): chr2:27,378,044, G>A on the plus strand (C>T on the coding strand, the complement: ZNF513 is on the minus strand). VCF-style: chr2-27378044-G-A. GRCh37 (hg19) VCF-style: chr2-27600911-G-A.
Other names: c.941C>T, p.Ala314Val (NM_001201459.2); short protein forms A314V, A376V.
Identifiers: ClinVar variation 3631798 (VCV003631798.3).

ClinVar aggregate classification (germline): Uncertain significance. Review status: criteria provided, multiple submitters, no conflicts (2 of 4 stars). 2 submissions from 2 submitters: Uncertain significance (2). Last evaluated 2024-05-16.

gnomAD v4.1: 3 of 1,610,804 alleles (0.00019%); highest among the groups gnomAD compares: Non-Finnish European, 0.00025%; no homozygotes.

Submissions (2):

Labcorp Genetics (formerly Invitae), Labcorp
Classification: Uncertain significance. Last evaluated: 2024-05-16. Review status: criteria provided, single submitter. Criteria: Invitae Variant Classification Sherloc (09022015). Collection method: clinical testing. Allele origin: germline.
Comment: This sequence change replaces alanine, which is neutral and non-polar, with valine, which is neutral and non-polar, at codon 376 of the ZNF513 protein (p.Ala376Val). This variant is not present in population databases (gnomAD no frequency). This variant has not been reported in the literature in individuals affected with ZNF513-related conditions. An algorithm developed to predict the effect of missense changes on protein structure and function (PolyPhen-2) suggests that this variant is likely to be tolerated. In summary, the available evidence is currently insufficient to determine the role of this variant in disease. Therefore, it has been classified as a Variant of Uncertain Significance.

Blueprint Genetics
Classification: Uncertain significance. Last evaluated: 2020-03-17. Review status: criteria provided, single submitter. Criteria: ACMG Guidelines, 2015. Collection method: clinical testing. Allele origin: germline.